The following is an entry in ClinVar:

ClinVar aggregate classification (germline): Conflicting classifications of pathogenicity. Review status: criteria provided, conflicting classifications (1 of 4 stars). 2 submissions from 2 submitters: Uncertain significance (1); Likely benign (1). Last evaluated 2024-02-12.

Conditions:
Meckel-Gruber syndrome. Also called: Dysencephalia splachnocystica; GRUBER SYNDROME; DYSENCEPHALIA SPLANCHNOCYSTICA. Identifiers: Orphanet 564, MedGen C0265215, MONDO:0018921.
Joubert syndrome. Also called: JOUBERT-BOLTSHAUSER SYNDROME; Familial aplasia of the vermis. Identifiers: Orphanet 475, MedGen C5979921, MONDO:0018772.

Allele frequency attached by ClinVar (database versions not stated): gnomAD below 0.00001 and 0.00006; TOPMed 0.00001; gnomAD exomes 0.00008 and 0.00018; ExAC 0.00023; 1000 Genomes Project 0.00040; 1000 Genomes Project 30x 0.00062.

Submissions (2):

Blueprint Genetics
Classification: Likely benign. Last evaluated: 2024-02-12. Review status: criteria provided, single submitter. Criteria: ACMG Guidelines, 2015. Collection method: clinical testing. Allele origin: germline.

Labcorp Genetics (formerly Invitae), Labcorp
Classification: Uncertain significance for Joubert syndrome; Meckel-Gruber syndrome. Last evaluated: 2022-09-07. Review status: criteria provided, single submitter. Criteria: Invitae Variant Classification Sherloc (09022015). Collection method: clinical testing. Allele origin: germline.
Comment: This sequence change replaces arginine, which is basic and polar, with serine, which is neutral and polar, at codon 574 of the TCTN1 protein (p.Arg574Ser). This variant is present in population databases (rs560372787, gnomAD 0.1%). This variant has not been reported in the literature in individuals affected with TCTN1-related conditions. ClinVar contains an entry for this variant (Variation ID: 1047341). Algorithms developed to predict the effect of missense changes on protein structure and function (SIFT, PolyPhen-2, Align-GVGD) all suggest that this variant is likely to be disruptive. In summary, the available evidence is currently insufficient to determine the role of this variant in disease. Therefore, it has been classified as a Variant of Uncertain Significance.

NM_001082538.3(TCTN1):c.1722A>C (p.Arg574Ser)

Gene: TCTN1 (tectonic family member 1; plus strand). Cytogenetic location: 12q24.11.
Variant type: single nucleotide variant.
Coding change: c.1722A>C on transcript NM_001082538.3 (MANE Select); coding-DNA position 1722, A replaced by C.
Protein change: p.Arg574Ser; replaces arginine 574 with serine.
Molecular consequence: missense variant. On other transcripts: non-coding transcript variant (1).
Genome position (GRCh38, 1-based): chr12:110,647,835, A>C. VCF-style: chr12-110647835-A-C. GRCh37 (hg19) VCF-style: chr12-111085640-A-C.
Other names: c.1707A>C, p.Arg569Ser (NM_001082537.3); c.1539A>C, p.Arg513Ser (NM_001173975.3); c.1395A>C, p.Arg465Ser (NM_001173976.2); c.1560A>C, p.Arg520Ser (NM_001319680.2); c.1173A>C, p.Arg391Ser (NM_001319681.2); c.1665A>C, p.Arg555Ser (NM_024549.6); short protein forms R520S, R574S, R513S, R555S, R391S, R465S, R569S.
Identifiers: ClinVar variation 1047341 (VCV001047341.5), dbSNP rs560372787, ClinGen allele CA6786984.